The following is an entry in ClinVar:

ClinVar aggregate classification (germline): Likely benign (1 of 4 stars; one submission).

Submission:

GeneDx
Classification: Likely benign. Last evaluated: 2016-07-29. Review status: criteria provided, single submitter. Criteria: GeneDx Variant Classification (06012015). Collection method: clinical testing. Allele origin: germline. Affected: yes.
Comment: This variant is considered likely benign or benign based on one or more of the following criteria: it is a conservative change, it occurs at a poorly conserved position in the protein, it is predicted to be benign by multiple in silico algorithms, and/or has population frequency not consistent with disease.

NM_000083.3(CLCN1):c.2883G>C (p.Gly961=)

Gene: CLCN1 (chloride voltage-gated channel 1; plus strand). Cytogenetic location: 7q34.
Variant type: single nucleotide variant.
Coding change: c.2883G>C on transcript NM_000083.3 (MANE Select); coding-DNA position 2883, G replaced by C.
Protein change: p.Gly961=; no amino-acid change (glycine 961 retained).
Molecular consequence: synonymous variant. On other transcripts: non-coding transcript variant (1).
Genome position (GRCh38, 1-based): chr7:143,351,881, G>C. VCF-style: chr7-143351881-G-C. GRCh37 (hg19) VCF-style: chr7-143048974-G-C.
Identifiers: ClinVar variation 387287 (VCV000387287.1), dbSNP rs1057522756, ClinGen allele CA16605144.